The following is an entry in ClinVar:

NM_001080467.3(MYO5B):c.1245G>T (p.Trp415Cys)

Gene: MYO5B (myosin VB; minus strand). Cytogenetic location: 18q21.1.
Variant type: single nucleotide variant.
Coding change: c.1245G>T on transcript NM_001080467.3 (MANE Select); coding-DNA position 1245, G replaced by T.
Protein change: p.Trp415Cys; replaces tryptophan 415 with cysteine.
Molecular consequence: missense variant.
Genome position (GRCh38, 1-based): chr18:49,974,427, C>A on the plus strand (G>T on the coding strand, the complement: MYO5B is on the minus strand). VCF-style: chr18-49974427-C-A. GRCh37 (hg19) VCF-style: chr18-47500797-C-A.
Other names: short protein forms W415C.
Identifiers: ClinVar variation 4744448 (VCV004744448.1).

ClinVar aggregate classification (germline): Uncertain significance (1 of 4 stars; one submission).

gnomAD v4.1: 1 of 1,614,074 alleles (0.000062%); highest among the groups gnomAD compares: African/African-American, 0.0013%; no homozygotes.

Submission:

Labcorp Genetics (formerly Invitae), Labcorp
Classification: Uncertain significance. Last evaluated: 2025-11-03. Review status: criteria provided, single submitter. Criteria: Invitae Variant Classification Sherloc (09022015). Collection method: clinical testing. Allele origin: germline.
Comment: This sequence change replaces tryptophan, which is neutral and slightly polar, with cysteine, which is neutral and slightly polar, at codon 415 of the MYO5B protein (p.Trp415Cys). This variant is not present in population databases (gnomAD no frequency). This variant has not been reported in the literature in individuals affected with MYO5B-related conditions. Invitae Evidence Modeling of protein sequence and biophysical properties (such as structural, functional, and spatial information, amino acid conservation, physicochemical variation, residue mobility, and thermodynamic stability) indicates that this missense variant is not expected to disrupt MYO5B protein function with a negative predictive value of 80%. In summary, the available evidence is currently insufficient to determine the role of this variant in disease. Therefore, it has been classified as a Variant of Uncertain Significance.